The following is an entry in ClinVar:

ClinVar aggregate classification (germline): Uncertain significance. Review status: criteria provided, multiple submitters, no conflicts (2 of 4 stars). 3 submissions from 3 submitters: Uncertain significance (3). Last evaluated 2025-11-19.

Conditions:
Hereditary nonpolyposis colorectal neoplasms. Identifiers: MedGen C0009405, MeSH D003123.
Hereditary cancer-predisposing syndrome. Also called: Neoplastic Syndromes, Hereditary; Tumor predisposition; Hereditary neoplastic syndrome; Hereditary Cancer Syndrome. Identifiers: Orphanet 140162, MedGen C0027672, MeSH D009386, MONDO:0015356.

Submissions (3):

Color Diagnostics, LLC DBA Color Health
Classification: Uncertain significance for Hereditary cancer-predisposing syndrome. Last evaluated: 2025-11-19. Review status: criteria provided, single submitter. Criteria: ACMG Guidelines, 2015. Collection method: clinical testing. Allele origin: germline.
Comment: This missense variant replaces isoleucine with methionine at codon 724 of the PMS2 protein. Computational prediction is inconclusive regarding the impact of this variant on protein structure and function. To our knowledge, functional studies have not been reported for this variant. This variant has not been reported in individuals affected with PMS2-related disorders in the literature. This variant has not been identified in the general population by the Genome Aggregation Database (gnomAD). The available evidence is insufficient to determine the role of this variant in disease conclusively. Therefore, this variant is classified as a Variant of Uncertain Significance.

Women's Health and Genetics/Laboratory Corporation of America, LabCorp
Classification: Uncertain significance. Last evaluated: 2022-11-12. Review status: criteria provided, single submitter. Criteria: LabCorp Variant Classification Summary - May 2015. Collection method: clinical testing. Allele origin: germline.

Labcorp Genetics (formerly Invitae), Labcorp
Classification: Uncertain significance for Hereditary nonpolyposis colorectal neoplasms. Last evaluated: 2021-08-04. Review status: criteria provided, single submitter. Criteria: Invitae Variant Classification Sherloc (09022015). Collection method: clinical testing. Allele origin: germline.
Comment: The frequency data for this variant in the population databases (ExAC) is considered unreliable due to the presence of homologous sequence, such as pseudogenes or paralogs, in the genome. This sequence change replaces isoleucine with methionine at codon 724 of the PMS2 protein (p.Ile724Met). The isoleucine residue is highly conserved and there is a small physicochemical difference between isoleucine and methionine. This variant has not been reported in the literature in individuals affected with PMS2-related conditions. In summary, the available evidence is currently insufficient to determine the role of this variant in disease. Therefore, it has been classified as a Variant of Uncertain Significance. Algorithms developed to predict the effect of missense changes on protein structure and function are either unavailable or do not agree on the potential impact of this missense change (SIFT: "Deleterious"; PolyPhen-2: "Probably Damaging"; Align-GVGD: "Class C0").

NM_000535.7(PMS2):c.2172A>G (p.Ile724Met)

Gene: PMS2 (PMS1 homolog 2, mismatch repair system component; minus strand). Cytogenetic location: 7p22.1.
Variant type: single nucleotide variant.
Coding change: c.2172A>G on transcript NM_000535.7 (MANE Select); coding-DNA position 2172, A replaced by G.
Protein change: p.Ile724Met; replaces isoleucine 724 with methionine.
Molecular consequence: missense variant. On other transcripts: non-coding transcript variant (1).
Genome position (GRCh38, 1-based): chr7:5,982,826, T>C on the plus strand (A>G on the coding strand, the complement: PMS2 is on the minus strand). VCF-style: chr7-5982826-T-C. GRCh37 (hg19) VCF-style: chr7-6022457-T-C.
Other names: c.1767A>G, p.Ile589Met (NM_001322003.2, NM_001322004.2, NM_001322005.2 and 1 more transcripts); c.2016A>G, p.Ile672Met (NM_001322006.2); c.1854A>G, p.Ile618Met (NM_001322007.2, NM_001322008.2); c.1611A>G, p.Ile537Met (NM_001322010.2); c.1239A>G, p.Ile413Met (NM_001322011.2, NM_001322012.2); c.1599A>G, p.Ile533Met (NM_001322013.2); c.2172A>G, p.Ile724Met (NM_001322014.2); c.1863A>G, p.Ile621Met (NM_001322015.2); short protein forms I724M, I672M, I413M, I533M, I537M, I589M, I618M, I621M.
Identifiers: ClinVar variation 566185 (VCV000566185.8), dbSNP rs1562614497, ClinGen allele CA366737840.